The following is an entry in ClinVar:

NM_032043.3(BRIP1):c.2493-5T>C

Gene: BRIP1 (BRCA1 interacting DNA helicase 1; minus strand). Cytogenetic location: 17q23.2.
Variant type: single nucleotide variant.
Coding change: c.2493-5T>C on transcript NM_032043.3 (MANE Select); 5 bases into the intron before coding-DNA position 2493, T replaced by C.
Molecular consequence: intron variant.
Genome position (GRCh38, 1-based): chr17:61,693,517, A>G on the plus strand (T>C on the coding strand, the complement: BRIP1 is on the minus strand). VCF-style: chr17-61693517-A-G. GRCh37 (hg19) VCF-style: chr17-59770878-A-G.
Identifiers: ClinVar variation 1792094 (VCV001792094.2), dbSNP rs2544605223, ClinGen allele CA2576344996.
Genomic context (GRCh38, chr17:61,693,517, plus strand): 5'-TAAAGCGATCATCCACTAGAATAAGAGCTCCCCAATCATTTCTGTGTCTAATACATCTAG[A>G]AAAAATAGGGAAAAAGTCAAATAATTATAACATCGGAAATAAATCCAGTTTTCCAGTGGG-3'

ClinVar aggregate classification (germline): Uncertain significance (1 of 4 stars; one submission).

Conditions:
Hereditary cancer-predisposing syndrome. Also called: Hereditary Cancer Syndrome; Hereditary neoplastic syndrome; Tumor predisposition; Neoplastic Syndromes, Hereditary. Identifiers: Orphanet 140162, MedGen C0027672, MeSH D009386, MONDO:0015356.

Submission:

Ambry Genetics
Classification: Uncertain significance for Hereditary cancer-predisposing syndrome. Last evaluated: 2020-01-09. Review status: criteria provided, single submitter. Criteria: Ambry Variant Classification Scheme 2023. Collection method: clinical testing. Allele origin: germline.
Comment: The c.2493-5T>C intronic variant results from a T to C substitution 5 nucleotides upstream from coding exon 17 in the BRIP1 gene. This nucleotide position is not well conserved in available vertebrate species. In silico splice site analysis for this alteration is inconclusive and direct evidence is insufficient at this time (Ambry internal data). Since supporting evidence is limited at this time, the clinical significance of this alteration remains unclear.